The following is an entry in ClinVar:

NM_020795.4(NLGN2):c.2123G>A (p.Arg708Gln)

Gene: NLGN2 (neuroligin 2; plus strand). Cytogenetic location: 17p13.1.
Variant type: single nucleotide variant.
Coding change: c.2123G>A on transcript NM_020795.4 (MANE Select); coding-DNA position 2123, G replaced by A.
Protein change: p.Arg708Gln; replaces arginine 708 with glutamine.
Molecular consequence: missense variant.
Genome position (GRCh38, 1-based): chr17:7,417,414, G>A. VCF-style: chr17-7417414-G-A. GRCh37 (hg19) VCF-style: chr17-7320733-G-A.
Other names: short protein forms R708Q.
Identifiers: ClinVar variation 2536073 (VCV002536073.6), dbSNP rs775563640, ClinGen allele CA8346227.

ClinVar aggregate classification (germline): Uncertain significance. Review status: criteria provided, multiple submitters, no conflicts (2 of 4 stars). 2 submissions from 2 submitters: Uncertain significance (2). Last evaluated 2025-05-29.

Allele frequency attached by ClinVar (database versions not stated): gnomAD exomes 0.00003; ExAC 0.00007; TOPMed 0.00002; gnomAD 0.00003.
gnomAD v4.1: 53 of 1,607,526 alleles (0.0033%); highest among the groups gnomAD compares: East Asian, 0.009%; no homozygotes.

Submissions (2):

Ambry Genetics
Classification: Uncertain significance. Last evaluated: 2025-05-29. Review status: criteria provided, single submitter. Criteria: Ambry Variant Classification Scheme 2023. Collection method: clinical testing. Allele origin: germline.

Labcorp Genetics (formerly Invitae), Labcorp
Classification: Uncertain significance. Last evaluated: 2025-03-17. Review status: criteria provided, single submitter. Criteria: Invitae Variant Classification Sherloc (09022015). Collection method: clinical testing. Allele origin: germline.
Comment: This sequence change replaces arginine, which is basic and polar, with glutamine, which is neutral and polar, at codon 708 of the NLGN2 protein (p.Arg708Gln). This variant is present in population databases (rs775563640, gnomAD 0.06%), and has an allele count higher than expected for a pathogenic variant. This variant has not been reported in the literature in individuals affected with NLGN2-related conditions. ClinVar contains an entry for this variant (Variation ID: 2536073). Invitae Evidence Modeling of protein sequence and biophysical properties (such as structural, functional, and spatial information, amino acid conservation, physicochemical variation, residue mobility, and thermodynamic stability) indicates that this missense variant is not expected to disrupt NLGN2 protein function with a negative predictive value of 80%. In summary, the available evidence is currently insufficient to determine the role of this variant in disease. Therefore, it has been classified as a Variant of Uncertain Significance.